The following is an entry in ClinVar:

NM_025114.4(CEP290):c.4599C>T (p.His1533=)

Gene: CEP290 (centrosomal protein 290; minus strand). Cytogenetic location: 12q21.32.
Variant type: single nucleotide variant.
Coding change: c.4599C>T on transcript NM_025114.4 (MANE Select); coding-DNA position 4599, C replaced by T.
Protein change: p.His1533=; no amino-acid change (histidine 1533 retained).
Molecular consequence: synonymous variant.
Genome position (GRCh38, 1-based): chr12:88,084,691, G>A on the plus strand (C>T on the coding strand, the complement: CEP290 is on the minus strand). VCF-style: chr12-88084691-G-A. GRCh37 (hg19) VCF-style: chr12-88478468-G-A.
Other names: c.4599C>T (NM_025114.3).
Identifiers: ClinVar variation 1674917 (VCV001674917.10), dbSNP rs932264519, ClinGen allele CA241158026.

ClinVar aggregate classification (germline): Likely benign. Review status: criteria provided, multiple submitters, no conflicts (2 of 4 stars). 3 submissions from 3 submitters: Likely benign (3). Last evaluated 2025-08-07.

Conditions:
Joubert syndrome. Also called: JOUBERT-BOLTSHAUSER SYNDROME; Familial aplasia of the vermis. Identifiers: Orphanet 475, MedGen C5979921, MONDO:0018772.
Nephronophthisis. Also called: Juvenile Nephronophthisis. Identifiers: Orphanet 655, MedGen C0687120, MONDO:0019005, HP:0000090.
Meckel-Gruber syndrome. Also called: GRUBER SYNDROME; DYSENCEPHALIA SPLANCHNOCYSTICA; Dysencephalia splachnocystica. Identifiers: Orphanet 564, MedGen C0265215, MONDO:0018921.
CEP290-related disorder. Also called: CEP290-related condition; CEP290-related disorders. Identifiers: MedGen CN239314.
Leber congenital amaurosis 10 (LCA10). Identifiers: Orphanet 65, MedGen C1857821, MONDO:0012723, OMIM 611755.
Senior-Loken syndrome 6 (SLSN6). Identifiers: Orphanet 3156, MedGen C1857779, MONDO:0012433, OMIM 610189.
Joubert syndrome 5 (JBTS5). Identifiers: Orphanet 2318, MedGen C1857780, MONDO:0012432, OMIM 610188.
Meckel syndrome, type 4 (MKS4). Also called: MECKEL-GRUBER SYNDROME, TYPE 4. Identifiers: Orphanet 564, MedGen C1970161, MONDO:0012626, OMIM 611134.
Bardet-Biedl syndrome 14 (BBS14). Identifiers: Orphanet 110, MedGen C2673874, MONDO:0014442, OMIM 615991.

Allele frequency attached by ClinVar (database versions not stated): gnomAD 0.00001; TOPMed 0.00001.
gnomAD v4.1: 6 of 1,613,614 alleles (0.00037%); highest among the groups gnomAD compares: Non-Finnish European, 0.00051%; no homozygotes.

Submissions (3):

PreventionGenetics, part of Exact Sciences
Classification: Likely benign for CEP290-related condition. Last evaluated: 2025-08-07. Review status: criteria provided, single submitter. Criteria: ACMG Guidelines, 2015. Collection method: clinical testing. Allele origin: germline.
Comment: This variant is classified as likely benign based on ACMG/AMP sequence variant interpretation guidelines (Richards et al. 2015 PMID: 25741868, with internal and published modifications).

Labcorp Genetics (formerly Invitae), Labcorp
Classification: Likely benign for Joubert syndrome; Meckel-Gruber syndrome; Nephronophthisis. Last evaluated: 2023-08-31. Review status: criteria provided, single submitter. Criteria: Invitae Variant Classification Sherloc (09022015). Collection method: clinical testing. Allele origin: germline.

Fulgent Genetics
Classification: Likely benign for Joubert syndrome 5; Senior-Loken syndrome 6; Meckel syndrome, type 4; Leber congenital amaurosis 10; Bardet-Biedl syndrome 14. Last evaluated: 2021-10-21. Review status: criteria provided, single submitter. Criteria: ACMG Guidelines, 2015. Collection method: clinical testing. Allele origin: unknown.